The following is an entry in ClinVar:

ClinVar aggregate classification (germline): Uncertain significance (1 of 4 stars; one submission).

Conditions:
Tumor predisposition syndrome 3 (TPDS3). Also called: Glioma susceptibility 9; LONG TELOMERE SYNDROME, POT1-RELATED; POT1 Tumor Predisposition; Melanoma, cutaneous malignant, susceptibility to, 10. Identifiers: Orphanet 618, MedGen C4014476, MONDO:0014368, OMIM 615848.

Submission:

Labcorp Genetics (formerly Invitae), Labcorp
Classification: Uncertain significance for Tumor predisposition syndrome 3. Last evaluated: 2024-12-16. Review status: criteria provided, single submitter. Criteria: Invitae Variant Classification Sherloc (09022015). Collection method: clinical testing. Allele origin: germline.
Comment: This sequence change replaces serine, which is neutral and polar, with glycine, which is neutral and non-polar, at codon 98 of the POT1 protein (p.Ser98Gly). This variant is not present in population databases (gnomAD no frequency). This variant has not been reported in the literature in individuals affected with POT1-related conditions. Invitae Evidence Modeling of protein sequence and biophysical properties (such as structural, functional, and spatial information, amino acid conservation, physicochemical variation, residue mobility, and thermodynamic stability) indicates that this missense variant is not expected to disrupt POT1 protein function with a negative predictive value of 80%. In summary, the available evidence is currently insufficient to determine the role of this variant in disease. Therefore, it has been classified as a Variant of Uncertain Significance.

NM_015450.3(POT1):c.292A>G (p.Ser98Gly)

Gene: POT1 (protection of telomeres 1; minus strand). Cytogenetic location: 7q31.33.
Variant type: single nucleotide variant.
Coding change: c.292A>G on transcript NM_015450.3 (MANE Select); coding-DNA position 292, A replaced by G.
Protein change: p.Ser98Gly; replaces serine 98 with glycine.
Molecular consequence: missense variant. On other transcripts: 5 prime UTR variant (1), non-coding transcript variant (3).
Genome position (GRCh38, 1-based): chr7:124,863,604, T>C on the plus strand (A>G on the coding strand, the complement: POT1 is on the minus strand). VCF-style: chr7-124863604-T-C. GRCh37 (hg19) VCF-style: chr7-124503658-T-C.
Other names: c.-102A>G (NM_001042594.2); short protein forms S98G.
Identifiers: ClinVar variation 3719598 (VCV003719598.2).